The following is an entry in ClinVar:

ClinVar aggregate classification (germline): Uncertain significance (1 of 4 stars; one submission).

Conditions:
Werner syndrome (WRN). Identifiers: Orphanet 902, MedGen C0043119, MONDO:0010196, OMIM 277700.

Submission:

Labcorp Genetics (formerly Invitae), Labcorp
Classification: Uncertain significance for Werner syndrome. Last evaluated: 2022-03-29. Review status: criteria provided, single submitter. Criteria: Invitae Variant Classification Sherloc (09022015). Collection method: clinical testing. Allele origin: germline.
Comment: This variant is not present in population databases (gnomAD no frequency). This sequence change replaces proline, which is neutral and non-polar, with serine, which is neutral and polar, at codon 1143 of the WRN protein (p.Pro1143Ser). In summary, the available evidence is currently insufficient to determine the role of this variant in disease. Therefore, it has been classified as a Variant of Uncertain Significance. Algorithms developed to predict the effect of missense changes on protein structure and function are either unavailable or do not agree on the potential impact of this missense change (SIFT: "Not Available"; PolyPhen-2: "Benign"; Align-GVGD: "Not Available"). This variant has not been reported in the literature in individuals affected with WRN-related conditions.

NM_000553.6(WRN):c.3427C>T (p.Pro1143Ser)

Gene: WRN (WRN RecQ like helicase; plus strand). Cytogenetic location: 8p12.
Variant type: single nucleotide variant.
Coding change: c.3427C>T on transcript NM_000553.6 (MANE Select); coding-DNA position 3427, C replaced by T.
Protein change: p.Pro1143Ser; replaces proline 1143 with serine.
Molecular consequence: missense variant.
Genome position (GRCh38, 1-based): chr8:31,147,096, C>T. VCF-style: chr8-31147096-C-T. GRCh37 (hg19) VCF-style: chr8-31004612-C-T.
Other names: short protein forms P1143S.
Identifiers: ClinVar variation 2118297 (VCV002118297.4), dbSNP rs1177812319, ClinGen allele CA370925382.